The following is an entry in ClinVar:

ClinVar aggregate classification (germline): Pathogenic (1 of 4 stars; one submission).

Conditions:
Thrombocytopenia 1. Also called: X-Linked Thrombocytopenia (XLT); THROMBOCYTOPENIA, X-LINKED, 1; X-linked thrombocytopenia with normal platelets. Identifiers: Orphanet 268322, Orphanet 852, MedGen C1839163, MONDO:0010743, OMIM 313900.
X-linked severe congenital neutropenia (SCNX). Identifiers: Orphanet 86788, MedGen C1845987, MONDO:0010294, OMIM 300299.
Wiskott-Aldrich syndrome (WAS). Also called: WISKOTT-ALDRICH SYNDROME 1; ALDRICH SYNDROME; IMMUNODEFICIENCY 2; Wiskott-aldrich syndrome, somatic. Identifiers: Orphanet 906, MedGen C0043194, MONDO:0010518, OMIM 301000.

Submission:

Labcorp Genetics (formerly Invitae), Labcorp
Classification: Pathogenic for Wiskott-Aldrich syndrome; X-linked severe congenital neutropenia; Thrombocytopenia 1. Last evaluated: 2024-01-19. Review status: criteria provided, single submitter. Criteria: Invitae Variant Classification Sherloc (09022015). Collection method: clinical testing. Allele origin: germline.
Comment: This sequence change affects codon 229 of the WAS mRNA. It is a 'silent' change, meaning that it does not change the encoded amino acid sequence of the WAS protein. This variant is not present in population databases (gnomAD no frequency). This variant has been observed in individual(s) with inborn errors of immunity and/or thrombocytopenia (PMID: 35874699; Invitae). In at least one individual the variant was observed to be de novo. Algorithms developed to predict the effect of sequence changes on RNA splicing suggest that this variant may disrupt the consensus splice site. For these reasons, this variant has been classified as Pathogenic.

Literature cited by the submitters: PubMed 35874699.

NM_000377.3(WAS):c.687G>T (p.Gly229=)

Gene: WAS (WASP actin nucleation promoting factor; plus strand). Cytogenetic location: Xp11.23.
Variant type: single nucleotide variant.
Coding change: c.687G>T on transcript NM_000377.3 (MANE Select); coding-DNA position 687, G replaced by T.
Protein change: p.Gly229=; no amino-acid change (glycine 229 retained).
Molecular consequence: synonymous variant.
Genome position (GRCh38, 1-based): chrX:48,686,908, G>T. VCF-style: chrX-48686908-G-T. GRCh37 (hg19) VCF-style: chrX-48545297-G-T.
Identifiers: ClinVar variation 2925670 (VCV002925670.3), dbSNP rs2147264930, ClinGen allele CA516023304.
Genomic context (GRCh38, chrX:48,686,908, plus strand): 5'-TTCACGATACCGTGGGCTCCCAGCACCTGGACCTAGCCCAGCTGATAAGAAACGCTCAGG[G>T]AAGAAGAAGATCAGCAAAGCTGATATTGGTGCACCCAGTGGATTCAAGTGAGAGCCACTC-3'
Protein context (NP_000368.1, residues 219-239): GPSPADKKRS[Gly229=]KKKISKADIG